The following is an entry in ClinVar:

ClinVar aggregate classification (germline): Uncertain significance (1 of 4 stars; one submission).

Submission:

Labcorp Genetics (formerly Invitae), Labcorp
Classification: Uncertain significance. Last evaluated: 2023-06-29. Review status: criteria provided, single submitter. Criteria: Invitae Variant Classification Sherloc (09022015). Collection method: clinical testing. Allele origin: germline.
Comment: In summary, the available evidence is currently insufficient to determine the role of this variant in disease. Therefore, it has been classified as a Variant of Uncertain Significance. Advanced modeling of protein sequence and biophysical properties (such as structural, functional, and spatial information, amino acid conservation, physicochemical variation, residue mobility, and thermodynamic stability) performed at Invitae indicates that this missense variant is not expected to disrupt POLE protein function. ClinVar contains an entry for this variant (Variation ID: 1383148). This variant has not been reported in the literature in individuals affected with POLE-related conditions. This variant is not present in population databases (gnomAD no frequency). This sequence change replaces histidine, which is basic and polar, with asparagine, which is neutral and polar, at codon 1454 of the POLE protein (p.His1454Asn).

NM_006231.4(POLE):c.4360C>A (p.His1454Asn)

Gene: POLE (DNA polymerase epsilon, catalytic subunit; minus strand). Cytogenetic location: 12q24.33.
Variant type: single nucleotide variant.
Coding change: c.4360C>A on transcript NM_006231.4 (MANE Select); coding-DNA position 4360, C replaced by A.
Protein change: p.His1454Asn; replaces histidine 1454 with asparagine.
Molecular consequence: missense variant.
Genome position (GRCh38, 1-based): chr12:132,643,491, G>T on the plus strand (C>A on the coding strand, the complement: POLE is on the minus strand). VCF-style: chr12-132643491-G-T. GRCh37 (hg19) VCF-style: chr12-133220077-G-T.
Other names: short protein forms H1454N.
Identifiers: ClinVar variation 1383148 (VCV001383148.8), dbSNP rs1060500842, ClinGen allele CA387381302.